The following is an entry in ClinVar:

NM_004068.4(AP2M1):c.1182C>T (p.Phe394=)

Gene: AP2M1 (adaptor related protein complex 2 subunit mu 1; plus strand). Cytogenetic location: 3q27.1.
Variant type: single nucleotide variant.
Coding change: c.1182C>T on transcript NM_004068.4 (MANE Select); coding-DNA position 1182, C replaced by T.
Protein change: p.Phe394=; no amino-acid change (phenylalanine 394 retained).
Molecular consequence: synonymous variant.
Genome position (GRCh38, 1-based): chr3:184,183,490, C>T. VCF-style: chr3-184183490-C-T. GRCh37 (hg19) VCF-style: chr3-183901278-C-T.
Other names: c.1176C>T, p.Phe392= (NM_001025205.2); c.1257C>T, p.Phe419= (NM_001311198.2).
Identifiers: ClinVar variation 1598645 (VCV001598645.35), dbSNP rs202236381, ClinGen allele CA2727921.

ClinVar aggregate classification (germline): Benign/Likely benign. Review status: criteria provided, multiple submitters, no conflicts (2 of 4 stars). 4 submissions from 4 submitters: Benign (1); Likely benign (3). Last evaluated 2026-09-01.

Allele frequency attached by ClinVar (database versions not stated): gnomAD 0.00048 and 0.00064; gnomAD exomes 0.00049 and 0.00074; ExAC 0.00053; ESP Exome Variant Server 0.00057; TOPMed 0.00063.
gnomAD v4.1: 1,160 of 1,614,060 alleles (0.072%); highest among the groups gnomAD compares: Non-Finnish European, 0.091%; 2 homozygotes.

Submissions (4):

CeGaT Center for Human Genetics Tuebingen
Classification: Likely benign. Last evaluated: 2026-09-01. Review status: criteria provided, single submitter. Criteria: CeGaT Center For Human Genetics Tuebingen Variant Classification Criteria Version 2. Collection method: clinical testing. Allele origin: germline. Affected: yes. Observed: 8 variant alleles.
Comment: AP2M1: BP4, BP7

Labcorp Genetics (formerly Invitae), Labcorp
Classification: Benign. Last evaluated: 2026-01-28. Review status: criteria provided, single submitter. Criteria: Invitae Variant Classification Sherloc (09022015). Collection method: clinical testing. Allele origin: germline.

Laboratory of Genetics, Children's Clinical University Hospital Latvia
Classification: Likely benign. Last evaluated: 2025-02-16. Review status: criteria provided, single submitter. Criteria: ACMG Guidelines, 2015. Collection method: clinical testing. Allele origin: germline. Affected: yes.

Blueprint Genetics
Classification: Likely benign. Last evaluated: 2024-11-12. Review status: criteria provided, single submitter. Criteria: ACMG Guidelines, 2015. Collection method: clinical testing. Allele origin: germline.